The following is an entry in ClinVar:

NM_032264.6(NBPF3):c.951T>C (p.Ser317=)

Gene: NBPF3 (NBPF member 3; plus strand). Cytogenetic location: 1p36.12.
Variant type: single nucleotide variant.
Coding change: c.951T>C on transcript NM_032264.6 (MANE Select); coding-DNA position 951, T replaced by C.
Protein change: p.Ser317=; no amino-acid change (serine 317 retained).
Molecular consequence: synonymous variant. On other transcripts: non-coding transcript variant (1).
Genome position (GRCh38, 1-based): chr1:21,474,910, T>C. VCF-style: chr1-21474910-T-C. GRCh37 (hg19) VCF-style: chr1-21801403-T-C.
Other names: c.951T>C, p.Ser317= (NM_001256416.4); c.741T>C, p.Ser247= (NM_001256417.4); c.783T>C, p.Ser261= (NM_001330381.3, NM_001377491.1, NM_001377492.1 and 4 more transcripts).
Identifiers: ClinVar variation 2638447 (VCV002638447.24), dbSNP rs530349956, ClinGen allele CA666001.

ClinVar aggregate classification (germline): Likely benign (1 of 4 stars; one submission).

Allele frequency attached by ClinVar (database versions not stated): ExAC 0.00001; TOPMed 0.00001; gnomAD 0.00003; 1000 Genomes Project 0.00020; gnomAD exomes 0.00003; 1000 Genomes Project 30x 0.00016.
gnomAD v4.1: 57 of 1,603,066 alleles (0.0036%); highest among the groups gnomAD compares: African/African-American, 0.054%; 2 homozygotes.

Submission:

CeGaT Center for Human Genetics Tuebingen
Classification: Likely benign. Last evaluated: 2022-04-01. Review status: criteria provided, single submitter. Criteria: CeGaT Center For Human Genetics Tuebingen Variant Classification Criteria Version 2. Collection method: clinical testing. Allele origin: germline. Affected: yes. Observed: 1 variant allele.
Comment: NBPF3: BP4, BP7